The following is an entry in ClinVar:

ClinVar aggregate classification (germline): Likely pathogenic (1 of 4 stars; one submission).

Conditions:
Ehlers-Danlos syndrome, classic type, 1 (EDSCL1). Also called: EHLERS-DANLOS SYNDROME, GRAVIS TYPE; EHLERS-DANLOS SYNDROME, SEVERE CLASSIC TYPE; Ehlers-Danlos syndrome, type 1; Ehlers-Danlos Syndrome, Classic Type, COL5A1-Related; EDS I. Identifiers: MedGen C0268335, MONDO:0019567, OMIM 130000.
Osteogenesis imperfecta type I (OI1). Also called: OI, TYPE I; OSTEOGENESIS IMPERFECTA TARDA; OSTEOGENESIS IMPERFECTA WITH BLUE SCLERAE; Osteogenesis imperfecta type 1; Lobstein's Disease; Lobstein disease. Identifiers: Orphanet 216796, Orphanet 666, MedGen C0023931, MONDO:0008146, OMIM 166200. Disease mechanism: loss of function.

Submission:

Labcorp Genetics (formerly Invitae), Labcorp
Classification: Likely pathogenic for Osteogenesis imperfecta type I; Ehlers-Danlos syndrome, classic type, 1. Last evaluated: 2025-10-07. Review status: criteria provided, single submitter. Criteria: Invitae Variant Classification Sherloc (09022015). Collection method: clinical testing. Allele origin: germline.
Comment: This sequence change replaces glycine, which is neutral and non-polar, with serine, which is neutral and polar, at codon 235 of the COL1A2 protein (p.Gly235Ser). This variant is not present in population databases (gnomAD no frequency). This variant has not been reported in the literature in individuals affected with COL1A2-related conditions. Invitae Evidence Modeling of protein sequence and biophysical properties (such as structural, functional, and spatial information, amino acid conservation, physicochemical variation, residue mobility, and thermodynamic stability) indicates that this missense variant is expected to disrupt COL1A2 protein function with a positive predictive value of 95%. This variant disrupts the triple helix domain of COL1A2. Glycine residues within the Gly-Xaa-Yaa repeats of the triple helix domain are required for the structure and stability of fibrillar collagens (PMID: 7695699, 8218237, 19344236). In COL1A2, variants affecting these glycine residues are significantly enriched in individuals with disease (PMID: 9016532, 17078022) compared to the general population (ExAC). In summary, the currently available evidence indicates that the variant is pathogenic, but additional data are needed to prove that conclusively. Therefore, this variant has been classified as Likely Pathogenic.

Literature cited by the submitters: PubMed 7695699; PubMed 8218237; PubMed 19344236; PubMed 9016532; PubMed 17078022.

NM_000089.4(COL1A2):c.703G>A (p.Gly235Ser)

Gene: COL1A2 (collagen type I alpha 2 chain; plus strand). Cytogenetic location: 7q21.3.
Variant type: single nucleotide variant.
Coding change: c.703G>A on transcript NM_000089.4 (MANE Select); coding-DNA position 703, G replaced by A.
Protein change: p.Gly235Ser; replaces glycine 235 with serine.
Molecular consequence: missense variant.
Genome position (GRCh38, 1-based): chr7:94,408,345, G>A. VCF-style: chr7-94408345-G-A. GRCh37 (hg19) VCF-style: chr7-94037657-G-A.
Other names: short protein forms G235S.
Identifiers: ClinVar variation 4783357 (VCV004783357.1).